The following is an entry in ClinVar:

NM_000059.4(BRCA2):c.1845C>A (p.Asn615Lys)

Gene: BRCA2 (BRCA2 DNA repair associated; plus strand). Cytogenetic location: 13q13.1.
Variant type: single nucleotide variant.
Coding change: c.1845C>A on transcript NM_000059.4 (MANE Select); coding-DNA position 1845, C replaced by A.
Protein change: p.Asn615Lys; replaces asparagine 615 with lysine.
Molecular consequence: missense variant.
Genome position (GRCh38, 1-based): chr13:32,333,323, C>A. VCF-style: chr13-32333323-C-A. GRCh37 (hg19) VCF-style: chr13-32907460-C-A.
Other names: short protein forms N615K.
Identifiers: ClinVar variation 409580 (VCV000409580.22), dbSNP rs941500711, ClinGen allele CA16614236.

ClinVar aggregate classification (germline): Conflicting classifications of pathogenicity. Review status: criteria provided, conflicting classifications (1 of 4 stars). 6 submissions from 6 submitters: Uncertain significance (4); Likely benign (2). Last evaluated 2025-10-01.

Conditions:
Hereditary breast ovarian cancer syndrome. Also called: Hereditary breast and ovarian cancer syndrome; Hereditary breast and/or ovarian cancer syndrome; BRCA1- and BRCA2-Associated Hereditary Breast and Ovarian Cancer; Hereditary breast and ovarian cancer syndrome (HBOC); Hereditary breast and ovarian cancer; Breast and ovarian cancer. Identifiers: Orphanet 145, MedGen C0677776, MeSH D061325, MONDO:0003582. Disease mechanism: loss of function.
Breast-ovarian cancer, familial, susceptibility to, 2 (BROVCA2). Also called: BRCA2 Hereditary Breast and Ovarian Cancer. Identifiers: Orphanet 145, MedGen C2675520, MONDO:0012933, OMIM 612555. Disease mechanism: loss of function.
Hereditary cancer-predisposing syndrome. Also called: Hereditary neoplastic syndrome; Neoplastic Syndromes, Hereditary; Tumor predisposition; Hereditary Cancer Syndrome. Identifiers: Orphanet 140162, MedGen C0027672, MeSH D009386, MONDO:0015356.

Allele frequency attached by ClinVar (database versions not stated): gnomAD 0.00001; gnomAD exomes 0.00001; TOPMed 0.00001.
gnomAD v4.1: 9 of 1,605,156 alleles (0.00056%); highest among the groups gnomAD compares: Non-Finnish European, 0.00076%; no homozygotes.

Submissions (6):

Labcorp Genetics (formerly Invitae), Labcorp
Classification: Uncertain significance for Hereditary breast ovarian cancer syndrome. Last evaluated: 2025-10-01. Review status: criteria provided, single submitter. Criteria: Invitae Variant Classification Sherloc (09022015). Collection method: clinical testing. Allele origin: germline.
Comment: This sequence change replaces asparagine, which is neutral and polar, with lysine, which is basic and polar, at codon 615 of the BRCA2 protein (p.Asn615Lys). This variant is not present in population databases (gnomAD no frequency). This variant has not been reported in the literature in individuals affected with BRCA2-related conditions. ClinVar contains an entry for this variant (Variation ID: 409580). Invitae Evidence Modeling of protein sequence and biophysical properties (such as structural, functional, and spatial information, amino acid conservation, physicochemical variation, residue mobility, and thermodynamic stability) indicates that this missense variant is not expected to disrupt BRCA2 protein function with a negative predictive value of 95%. In summary, the available evidence is currently insufficient to determine the role of this variant in disease. Therefore, it has been classified as a Variant of Uncertain Significance.

Ambry Genetics
Classification: Likely benign for Hereditary cancer-predisposing syndrome. Last evaluated: 2024-05-22. Review status: criteria provided, single submitter. Criteria: Ambry Variant Classification Scheme 2023. Collection method: clinical testing. Allele origin: germline.

All of Us Research Program, National Institutes of Health
Classification: Uncertain significance for Breast-ovarian cancer, familial, susceptibility to, 2. Last evaluated: 2023-08-08. Review status: criteria provided, single submitter. Criteria: ACMG Guidelines, 2015. Collection method: clinical testing. Allele origin: germline. Inheritance: Autosomal dominant inheritance. Observed: 1 variant allele, 1 heterozygote.
Comment: This missense variant replaces asparagine with lysine at codon 615 of the BRCA2 protein. Computational prediction suggests that this variant may not impact protein structure and function (internally defined REVEL score threshold <= 0.5, PMID: 27666373). To our knowledge, functional studies have not been reported for this variant. This variant has not been reported in individuals affected with BRCA2-related disorders in the literature. This variant has not been identified in the general population by the Genome Aggregation Database (gnomAD). The available evidence is insufficient to determine the role of this variant in disease conclusively. Therefore, this variant is classified as a Variant of Uncertain Significance.

This study involves interpretation of variants in research participants for the purpose of population health screening. Participant phenotype was not available at the time of variant classification. Additional details can be found in publication PMID: 35346344, PMCID: PMC8962531

GeneDx
Classification: Uncertain significance. Last evaluated: 2023-07-05. Review status: criteria provided, single submitter. Criteria: GeneDx Variant Classification Process June 2021. Collection method: clinical testing. Allele origin: germline. Affected: yes.
Comment: Not observed at significant frequency in large population cohorts (gnomAD); In silico analysis supports that this missense variant does not alter protein structure/function; Has not been previously published as pathogenic or benign to our knowledge; This variant is associated with the following publications: (PMID: 32377563, 31911673, 29884841)

University of Washington Department of Laboratory Medicine, University of Washington
Classification: Likely benign for Hereditary cancer-predisposing syndrome. Last evaluated: 2023-03-23. Review status: criteria provided, single submitter. Criteria: Dines et al. (Genet Med. 2020). Collection method: curation. Allele origin: germline.
Comment: Missense variant in a coldspot region where missense variants are very unlikely to be pathogenic (PMID:31911673).

BRCA2 exon 10 coldspot. Reclassification based on statistical prior probability.

Quest Diagnostics Nichols Institute San Juan Capistrano
Classification: Uncertain significance. Last evaluated: 2019-10-29. Review status: criteria provided, single submitter. Criteria: Quest Diagnostics criteria. Collection method: clinical testing. Allele origin: unknown.